The following is an entry in ClinVar:

ClinVar aggregate classification (germline): Likely pathogenic (1 of 4 stars; one submission).

Submission:

Labcorp Genetics (formerly Invitae), Labcorp
Classification: Likely pathogenic. Last evaluated: 2021-12-06. Review status: criteria provided, single submitter. Criteria: Invitae Variant Classification Sherloc (09022015). Collection method: clinical testing. Allele origin: germline.
Comment: This sequence change affects an acceptor splice site in intron 68 of the ADGRV1 gene. It is expected to disrupt RNA splicing. Variants that disrupt the donor or acceptor splice site typically lead to a loss of protein function (PMID: 16199547), and loss-of-function variants in ADGRV1 are known to be pathogenic (PMID: 19357117, 22135276, 22147658, 26226137, 26667666, 30029497, 32467589). This variant is not present in population databases (gnomAD no frequency). Disruption of this splice site has been observed in individual(s) with retinitis pigmentosa (Invitae). Algorithms developed to predict the effect of sequence changes on RNA splicing suggest that this variant may disrupt the consensus splice site. In summary, the currently available evidence indicates that the variant is pathogenic, but additional data are needed to prove that conclusively. Therefore, this variant has been classified as Likely Pathogenic.

Literature cited by the submitters: PubMed 16199547; PubMed 19357117; PubMed 22135276; PubMed 22147658; PubMed 26226137; PubMed 26667666; PubMed 30029497; PubMed 32467589.

NM_032119.4(ADGRV1):c.13894-1G>C

Gene: ADGRV1 (adhesion G protein-coupled receptor V1; plus strand). Cytogenetic location: 5q14.3.
Variant type: single nucleotide variant.
Coding change: c.13894-1G>C on transcript NM_032119.4 (MANE Select); the canonical splice acceptor site of the intron before coding-DNA position 13894, G replaced by C.
Molecular consequence: splice acceptor variant.
Genome position (GRCh38, 1-based): chr5:90,789,701, G>C. VCF-style: chr5-90789701-G-C. GRCh37 (hg19) VCF-style: chr5-90085518-G-C.
Identifiers: ClinVar variation 2018243 (VCV002018243.4), dbSNP rs868806958, ClinGen allele CA360398347.
Genomic context (GRCh38, chr5:90,789,701, plus strand): 5'-ATACTATAATTTCATCCCTATTGTTTTATAAATTATTTTCTCTGTTGTTTATATTTTTTA[G>C]ATACAAGAGTTTGGTGACCCAAATGGAGTTGTTCAGTTTGCTCCTGAAACTTTGTCTAAG-3'